The following is an entry in ClinVar:

NM_152618.3(BBS12):c.388C>A (p.Leu130Ile)

Gene: BBS12 (Bardet-Biedl syndrome 12; plus strand). Cytogenetic location: 4q27.
Variant type: single nucleotide variant.
Coding change: c.388C>A on transcript NM_152618.3 (MANE Select); coding-DNA position 388, C replaced by A.
Protein change: p.Leu130Ile; replaces leucine 130 with isoleucine.
Molecular consequence: missense variant.
Genome position (GRCh38, 1-based): chr4:122,742,280, C>A. VCF-style: chr4-122742280-C-A. GRCh37 (hg19) VCF-style: chr4-123663435-C-A.
Other names: c.388C>A, p.Leu130Ile (NM_001178007.2); short protein forms L130I.
Identifiers: ClinVar variation 2178094 (VCV002178094.5), dbSNP rs368574610, ClinGen allele CA3069276.

ClinVar aggregate classification (germline): Uncertain significance. Review status: criteria provided, multiple submitters, no conflicts (2 of 4 stars). 2 submissions from 2 submitters: Uncertain significance (2). Last evaluated 2022-09-01.

Conditions:
Bardet-Biedl syndrome (BBS). Identifiers: Orphanet 110, MedGen C0752166, MONDO:0015229.

Allele frequency attached by ClinVar (database versions not stated): ExAC 0.00001; gnomAD 0.00001; ESP Exome Variant Server 0.00008.
gnomAD v4.1: 3 of 1,613,688 alleles (0.00019%); highest among the groups gnomAD compares: African/African-American, 0.004%; no homozygotes.

Submissions (2):

Labcorp Genetics (formerly Invitae), Labcorp
Classification: Uncertain significance for Bardet-Biedl syndrome. Last evaluated: 2022-09-01. Review status: criteria provided, single submitter. Criteria: Invitae Variant Classification Sherloc (09022015). Collection method: clinical testing. Allele origin: germline.
Comment: In summary, the available evidence is currently insufficient to determine the role of this variant in disease. Therefore, it has been classified as a Variant of Uncertain Significance. Algorithms developed to predict the effect of missense changes on protein structure and function are either unavailable or do not agree on the potential impact of this missense change (SIFT: "Deleterious"; PolyPhen-2: "Probably Damaging"; Align-GVGD: "Class C0"). This variant has not been reported in the literature in individuals affected with BBS12-related conditions. This variant is present in population databases (rs368574610, gnomAD 0.007%). This sequence change replaces leucine, which is neutral and non-polar, with isoleucine, which is neutral and non-polar, at codon 130 of the BBS12 protein (p.Leu130Ile).

Blueprint Genetics
Classification: Uncertain significance. Last evaluated: 2018-04-25. Review status: criteria provided, single submitter. Criteria: ACMG Guidelines, 2015. Collection method: clinical testing. Allele origin: germline.